The following is an entry in ClinVar:

ClinVar aggregate classification (germline): Pathogenic (1 of 4 stars; one submission).

Conditions:
Hereditary nonpolyposis colorectal neoplasms. Identifiers: MedGen C0009405, MeSH D003123.

Submission:

Labcorp Genetics (formerly Invitae), Labcorp
Classification: Pathogenic for Hereditary nonpolyposis colorectal neoplasms. Last evaluated: 2025-04-13. Review status: criteria provided, single submitter. Criteria: Invitae Variant Classification Sherloc (09022015). Collection method: clinical testing. Allele origin: germline.
Comment: This sequence change creates a premature translational stop signal (p.Gln593Lysfs*17) in the MSH6 gene. It is expected to result in an absent or disrupted protein product. Loss-of-function variants in MSH6 are known to be pathogenic (PMID: 18269114, 24362816). This variant is not present in population databases (gnomAD no frequency). This variant has not been reported in the literature in individuals affected with MSH6-related conditions. For these reasons, this variant has been classified as Pathogenic.

Literature cited by the submitters: PubMed 18269114; PubMed 24362816.

NM_000179.3(MSH6):c.1776del (p.Gln593fs)

Gene: MSH6 (mutS homolog 6; plus strand). Cytogenetic location: 2p16.3.
Variant type: Deletion.
Coding change: c.1776del on transcript NM_000179.3 (MANE Select); coding-DNA position 1776, one base deleted (A; older notation c.1776delA).
Protein change: p.Gln593fs; shifts the reading frame from glutamine 593.
Molecular consequence: frameshift variant. On other transcripts: non-coding transcript variant (4), intron variant (2).
Genome position (GRCh38, 1-based): chr2:47,799,759, A deleted. VCF-style (leftmost placement, unchanged base first): chr2-47799758-TA-T. GRCh37 (hg19) VCF-style: chr2-48026897-TA-T.
Other names: c.1386del, p.Gln463fs (NM_001281492.2); c.870del, p.Gln291fs (NM_001281493.2, NM_001281494.2, NM_001406811.1 and 6 more transcripts); c.1872del, p.Gln625fs (NM_001406795.1, NM_001406802.1); c.1776del, p.Gln593fs (NM_001406796.1, NM_001406798.1, NM_001406800.1 and 3 more transcripts); c.1479del, p.Gln494fs (NM_001406797.1, NM_001406801.1, NM_001406805.1 and 10 more transcripts); c.1251del, p.Gln418fs (NM_001406799.1, NM_001406806.1, NM_001406807.1); c.1698del, p.Gln567fs (NM_001406804.1); c.1782del, p.Gln595fs (NM_001406813.1); and 3 more; short protein forms Q291fs, Q418fs, Q463fs, Q494fs, Q537fs, Q567fs, Q593fs, Q595fs.
Identifiers: ClinVar variation 4806663 (VCV004806663.1).